The following is an entry in ClinVar:

ClinVar aggregate classification (germline): Conflicting classifications of pathogenicity. Review status: criteria provided, conflicting classifications (1 of 4 stars). 2 submissions from 2 submitters: Likely pathogenic (1); Uncertain significance (1). Last evaluated 2024-06-11.

Submissions (2):

GeneDx
Classification: Likely pathogenic. Last evaluated: 2024-06-11. Review status: criteria provided, single submitter. Criteria: GeneDx Variant Classification Process June 2021. Collection method: clinical testing. Allele origin: germline. Affected: yes.
Comment: Has been reported in published literature as a germline variant in a patient with a reported diagnosis of Kabuki syndrome but neither detailed clinical information nor segregation data were provided in this report (PMID: 30459467); Not observed at significant frequency in large population cohorts (gnomAD); In silico analysis supports that this missense variant has a deleterious effect on protein structure/function; This variant is associated with the following publications: (PMID: 30459467)

Eurofins Ntd Llc (ga)
Classification: Uncertain significance. Last evaluated: 2014-10-29. Review status: criteria provided, single submitter. Criteria: EGL Classification Definitions 2015. Collection method: clinical testing. Allele origin: germline. Observed: 1 variant allele, 1 heterozygote.

NM_003482.4(KMT2D):c.15559G>C (p.Ala5187Pro)

Gene: KMT2D (lysine methyltransferase 2D; minus strand). Cytogenetic location: 12q13.12.
Variant type: single nucleotide variant.
Coding change: c.15559G>C on transcript NM_003482.4 (MANE Select); coding-DNA position 15559, G replaced by C.
Protein change: p.Ala5187Pro; replaces alanine 5187 with proline.
Molecular consequence: missense variant.
Genome position (GRCh38, 1-based): chr12:49,026,407, C>G on the plus strand (G>C on the coding strand, the complement: KMT2D is on the minus strand). VCF-style: chr12-49026407-C-G. GRCh37 (hg19) VCF-style: chr12-49420190-C-G.
Other names: c.15559G>C (NM_003482.3); short protein forms A5187P.
Identifiers: ClinVar variation 197590 (VCV000197590.6), dbSNP rs775954885, ClinGen allele CA275283.